The following is an entry in ClinVar:

NM_001903.5(CTNNA1):c.105+5G>C

Gene: CTNNA1 (catenin alpha 1; plus strand). Cytogenetic location: 5q31.2.
Variant type: single nucleotide variant.
Coding change: c.105+5G>C on transcript NM_001903.5 (MANE Select); 5 bases into the intron after coding-DNA position 105, G replaced by C.
Molecular consequence: intron variant.
Genome position (GRCh38, 1-based): chr5:138,782,034, G>C. VCF-style: chr5-138782034-G-C. GRCh37 (hg19) VCF-style: chr5-138117723-G-C.
Other names: c.105+5G>C (NM_001323982.2, NM_001323984.2, NM_001290307.3 and 3 more transcripts); c.-102+5G>C (NM_001290310.3); c.-9+5G>C (NM_001290309.3).
Identifiers: ClinVar variation 1002468 (VCV001002468.7), dbSNP rs1755167844, ClinGen allele CA1586019686.
Genomic context (GRCh38, chr5:138,782,034, plus strand): 5'-GTCTAGAGATCAGGACTCTGGCAGTTGAGAGACTGTTGGAGCCTCTTGTTACACAGGTAA[G>C]AATCTGAAAACACAAATACATTGTAACATGGTTCTATAGCACAGGCCTGGGTAACAACCA-3'

ClinVar aggregate classification (germline): Uncertain significance (1 of 4 stars; one submission).

Allele frequency attached by ClinVar (database versions not stated): gnomAD exomes below 0.00001.

Submission:

Labcorp Genetics (formerly Invitae), Labcorp
Classification: Uncertain significance. Last evaluated: 2020-02-10. Review status: criteria provided, single submitter. Criteria: Invitae Variant Classification Sherloc (09022015). Collection method: clinical testing. Allele origin: germline.
Comment: This variant has not been reported in the literature in individuals with CTNNA1-related conditions. Nucleotide substitutions within the consensus splice site are a relatively common cause of aberrant splicing (PMID: 17576681, 9536098). Algorithms developed to predict the effect of sequence changes on RNA splicing suggest that this variant may disrupt the consensus splice site, but this prediction has not been confirmed by published transcriptional studies. In summary, the available evidence is currently insufficient to determine the role of this variant in disease. Therefore, it has been classified as a Variant of Uncertain Significance. This variant is not present in population databases (ExAC no frequency). This sequence change falls in intron 2 of the CTNNA1 gene. It does not directly change the encoded amino acid sequence of the CTNNA1 protein, but it affects a nucleotide within the consensus splice site of the intron.

Literature cited by the submitters: PubMed 17576681; PubMed 9536098.